The following is an entry in ClinVar:

ClinVar aggregate classification (germline): Pathogenic (1 of 4 stars; one submission).

Conditions:
Autosomal recessive nonsyndromic hearing loss 3. Also called: NEUROSENSORY NONSYNDROMIC RECESSIVE DEAFNESS 3. Identifiers: Orphanet 90636, MedGen C1838263, MONDO:0010860, OMIM 600316.

Submission:

Institute of Rare Diseases, West China Hospital, Sichuan University
Classification: Pathogenic for Autosomal recessive nonsyndromic hearing loss 3. Last evaluated: 2025-01-09. Review status: criteria provided, single submitter. Criteria: ClinGen HL ACMG Specifications v1. Collection method: research. Allele origin: germline. Affected: yes.
Comment: PVS1;PM3;PM2_Supporting

NM_016239.4(MYO15A):c.4174_4183del (p.Tyr1392fs)

Gene: MYO15A (myosin XVA; plus strand). Cytogenetic location: 17p11.2.
Variant type: Deletion.
Coding change: c.4174_4183del on transcript NM_016239.4 (MANE Select); coding-DNA positions 4174 to 4183, 10 bases deleted (TACCTGCTTG; older notation c.4174_4183delTACCTGCTTG).
Protein change: p.Tyr1392fs; shifts the reading frame from tyrosine 1392.
Molecular consequence: frameshift variant.
Genome position (GRCh38, 1-based): chr17:18,131,499-18,131,508, TACCTGCTTG deleted; deleting any 10 consecutive bases within chr17:18,131,498-18,131,508 gives the same sequence; the c. name uses the placement nearest the transcript's 3' end. VCF-style (leftmost placement, unchanged base first): chr17-18131497-AGTACCTGCTT-A. GRCh37 (hg19) VCF-style: chr17-18034811-AGTACCTGCTT-A.
Other names: short protein forms Y1392fs.
Identifiers: ClinVar variation 3601331 (VCV003601331.1).